The following is an entry in ClinVar:

NM_000487.6(ARSA):c.413C>T (p.Pro138Leu)

Gene: ARSA (arylsulfatase A; minus strand). Cytogenetic location: 22q13.33.
Variant type: single nucleotide variant.
Coding change: c.413C>T on transcript NM_000487.6 (MANE Select); coding-DNA position 413, C replaced by T.
Protein change: p.Pro138Leu; replaces proline 138 with leucine.
Molecular consequence: missense variant.
Genome position (GRCh38, 1-based): chr22:50,627,218, G>A on the plus strand (C>T on the coding strand, the complement: ARSA is on the minus strand). VCF-style: chr22-50627218-G-A. GRCh37 (hg19) VCF-style: chr22-51065646-G-A.
Other names: ARSA, PRO136LEU; c.413C>T, p.Pro138Leu (NM_001085425.3, NM_001085426.3, NM_001085427.3); c.155C>T, p.Pro52Leu (NM_001085428.3, NM_001362782.2); short protein forms P138L, P52L.
Identifiers: ClinVar variation 3064 (VCV000003064.16), dbSNP rs74315462, ClinGen allele CA115977.

ClinVar aggregate classification (germline): Pathogenic. Review status: criteria provided, multiple submitters, no conflicts (2 of 4 stars). 4 submissions from 4 submitters: Pathogenic (2). 2 of the submissions do not count toward it. Last evaluated 2025-09-02.

Conditions:
Metachromatic leukodystrophy (MLD). Also called: ARSA DEFICIENCY; CEREBROSIDE SULFATASE DEFICIENCY; METACHROMATIC LEUKOENCEPHALOPATHY; Arylsulfatase A Deficiency; SULFATIDE LIPIDOSIS; Cerebral sclerosis diffuse metachromatic form. Identifiers: Orphanet 512, MedGen C0023522, MONDO:0018868, OMIM 250100.
METACHROMATIC LEUKODYSTROPHY, SEVERE. Identifiers: MedGen C4017094.

Allele frequency attached by ClinVar (database versions not stated): gnomAD exomes below 0.00001; ExAC 0.00001.
gnomAD v4.1: 1 of 1,612,042 alleles (0.000062%); highest among the groups gnomAD compares: South Asian, 0.0011%; no homozygotes.

Submissions (4):

Labcorp Genetics (formerly Invitae), Labcorp
Classification: Pathogenic for Metachromatic leukodystrophy. Last evaluated: 2025-09-02. Review status: criteria provided, single submitter. Criteria: Invitae Variant Classification Sherloc (09022015). Collection method: clinical testing. Allele origin: germline.
Comment: This sequence change replaces proline, which is neutral and non-polar, with leucine, which is neutral and non-polar, at codon 138 of the ARSA protein (p.Pro138Leu). This variant is present in population databases (rs74315462, gnomAD 0.006%). This missense change has been observed in individual(s) with metachromatic leukodystrophy (PMID: 7860068). This variant is also known as P136L. ClinVar contains an entry for this variant (Variation ID: 3064). Invitae Evidence Modeling of protein sequence and biophysical properties (such as structural, functional, and spatial information, amino acid conservation, physicochemical variation, residue mobility, and thermodynamic stability) indicates that this missense variant is expected to disrupt ARSA protein function with a positive predictive value of 95%. Experimental studies have shown that this missense change affects ARSA function (PMID: 7860068). This variant disrupts the p.Pro138 amino acid residue in ARSA. Other variant(s) that disrupt this residue have been determined to be pathogenic (PMID: 22854541). This suggests that this residue is clinically significant, and that variants that disrupt this residue are likely to be disease-causing. For these reasons, this variant has been classified as Pathogenic.

Neuberg Centre For Genomic Medicine, NCGM
Classification: Pathogenic for Metachromatic leukodystrophy. Review status: criteria provided, single submitter. Criteria: ACMG Guidelines, 2015. Collection method: clinical testing. Allele origin: germline. Affected: yes.
Comment: The missense variant p.P138L in ARSA (NM_000487.6) causes a change at the same amino acid residue as a previously established pathogenic variant. This variant has been observed to be homozygous in an individual affected with metachromatic leukodystrophy (Kafert S et al, 1995). This variant has been reported to affect ARSA protein function (Kafert S et al, 1995). The p.P138L variant is observed in 1/17,802 (0.0056%) alleles from individuals of East Asian background in gnomAD Exomes and is novel (not in any individuals) in 1000 Genomes. For these reasons, this variant has been classified as Pathogenic.

OMIM
Classification: Pathogenic for METACHROMATIC LEUKODYSTROPHY, SEVERE. Last evaluated: 2018-11-07. Review status: no assertion criteria provided. Collection method: literature only. Allele origin: germline. Not counted in ClinVar's aggregate classification.

Counsyl
Classification: Uncertain significance for Metachromatic leukodystrophy. Last evaluated: 2017-08-30. Review status: no assertion criteria provided. Collection method: clinical testing. Allele origin: unknown. Not counted in ClinVar's aggregate classification.

Literature cited by the submitters: PubMed 7860068 (cited by Labcorp Genetics (formerly Invitae), Labcorp and Counsyl); PubMed 22854541 (cited by Labcorp Genetics (formerly Invitae), Labcorp); PubMed 1671769 (cited by OMIM); PubMed 20646068 (cited by Counsyl).